The following is an entry in ClinVar:

ClinVar aggregate classification (germline): Uncertain significance (1 of 4 stars; one submission).

Conditions:
Juvenile polyposis syndrome (JPS). Identifiers: Orphanet 2929, MedGen C0345893, MONDO:0017380, OMIM 174900.

Submission:

Labcorp Genetics (formerly Invitae), Labcorp
Classification: Uncertain significance for Juvenile polyposis syndrome. Last evaluated: 2020-02-15. Review status: criteria provided, single submitter. Criteria: Invitae Variant Classification Sherloc (09022015). Collection method: clinical testing. Allele origin: germline.
Comment: This sequence change replaces tyrosine with aspartic acid at codon 413 of the SMAD4 protein (p.Tyr413Asp). The tyrosine residue is highly conserved and there is a large physicochemical difference between tyrosine and aspartic acid. This variant is not present in population databases (ExAC no frequency). This variant has not been reported in the literature in individuals with SMAD4-related conditions. Algorithms developed to predict the effect of missense changes on protein structure and function (SIFT, PolyPhen-2, Align-GVGD) all suggest that this variant is likely to be disruptive, but these predictions have not been confirmed by published functional studies and their clinical significance is uncertain. In summary, the available evidence is currently insufficient to determine the role of this variant in disease. Therefore, it has been classified as a Variant of Uncertain Significance.

NM_005359.6(SMAD4):c.1237T>G (p.Tyr413Asp)

Gene: SMAD4 (SMAD family member 4; plus strand). Cytogenetic location: 18q21.2.
Variant type: single nucleotide variant.
Coding change: c.1237T>G on transcript NM_005359.6 (MANE Select); coding-DNA position 1237, T replaced by G.
Protein change: p.Tyr413Asp; replaces tyrosine 413 with aspartic acid.
Molecular consequence: missense variant.
Genome position (GRCh38, 1-based): chr18:51,067,116, T>G. VCF-style: chr18-51067116-T-G. GRCh37 (hg19) VCF-style: chr18-48593486-T-G.
Other names: short protein forms Y413D.
Identifiers: ClinVar variation 998987 (VCV000998987.9), dbSNP rs1910182791, ClinGen allele CA402464926.